The following is an entry in ClinVar:

NM_000209.3(PDX1):c.-279G>A

Gene: PDX1 (pancreatic and duodenal homeobox 1; plus strand). Cytogenetic location: 13q12.2.
Variant type: single nucleotide variant.
Coding change: c.-279G>A on transcript NM_000209.3; 279 bases upstream of the start codon, G replaced by A.
Genome position (GRCh38, 1-based): chr13:27,919,860, G>A. VCF-style: chr13-27919860-G-A. GRCh37 (hg19) VCF-style: chr13-28493997-G-A.
Identifiers: ClinVar variation 669733 (VCV000669733.3), dbSNP rs9581943, ClinGen allele CA13827836.

ClinVar aggregate classification (germline): Benign (1 of 4 stars; one submission).

Allele frequency attached by ClinVar (database versions not stated): 1000 Genomes Project 30x 0.31355; gnomAD 0.30565 and 0.31549; TOPMed 0.29330; 1000 Genomes Project 0.32808.

Submission:

GeneDx
Classification: Benign. Last evaluated: 2018-06-14. Review status: criteria provided, single submitter. Criteria: GeneDx Variant Classification (06012015). Collection method: clinical testing. Allele origin: germline. Affected: yes.
Comment: This variant is considered likely benign or benign based on one or more of the following criteria: it is a conservative change, it occurs at a poorly conserved position in the protein, it is predicted to be benign by multiple in silico algorithms, and/or has population frequency not consistent with disease.